The following is an entry in ClinVar:

ClinVar aggregate classification (germline): Pathogenic (1 of 4 stars; one submission).

Conditions:
Treacher Collins syndrome 1 (TCS1). Also called: TCOF1-Related Treacher Collins Syndrome. Identifiers: Orphanet 861, MedGen CN315775, MONDO:0007944, OMIM 154500.

Submission:

Labcorp Genetics (formerly Invitae), Labcorp
Classification: Pathogenic for Treacher Collins syndrome 1. Last evaluated: 2021-04-02. Review status: criteria provided, single submitter. Criteria: Invitae Variant Classification Sherloc (09022015). Collection method: clinical testing. Allele origin: germline.
Comment: This sequence change creates a premature translational stop signal (p.Glu175*) in the TCOF1 gene. It is expected to result in an absent or disrupted protein product. Loss-of-function variants in TCOF1 are known to be pathogenic (PMID: 8894686, 22317976). This variant is not present in population databases (ExAC no frequency). This variant has not been reported in the literature in individuals with TCOF1-related conditions. For these reasons, this variant has been classified as Pathogenic.

Literature cited by the submitters: PubMed 8894686; PubMed 22317976.

NM_001371623.1(TCOF1):c.523G>T (p.Glu175Ter)

Gene: TCOF1 (treacle ribosome biogenesis factor 1; plus strand). Cytogenetic location: 5q32.
Variant type: single nucleotide variant.
Coding change: c.523G>T on transcript NM_001371623.1 (MANE Select); coding-DNA position 523, G replaced by T.
Protein change: p.Glu175Ter; replaces glutamic acid 175 with a stop codon.
Molecular consequence: nonsense.
Genome position (GRCh38, 1-based): chr5:150,368,860, G>T. VCF-style: chr5-150368860-G-T. GRCh37 (hg19) VCF-style: chr5-149748423-G-T.
Other names: c.523G>T, p.Glu175Ter (NM_000356.4, NM_001008657.3, NM_001135243.2 and 3 more transcripts); short protein forms E175*.
Identifiers: ClinVar variation 1456141 (VCV001456141.6), dbSNP rs1195908562, ClinGen allele CA361735580.